The following is an entry in ClinVar:

NM_015015.3(KDM4B):c.527A>G (p.Tyr176Cys)

Gene: KDM4B (lysine demethylase 4B; plus strand). Cytogenetic location: 19p13.3.
Variant type: single nucleotide variant.
Coding change: c.527A>G on transcript NM_015015.3 (MANE Select); coding-DNA position 527, A replaced by G.
Protein change: p.Tyr176Cys; replaces tyrosine 176 with cysteine.
Molecular consequence: missense variant.
Genome position (GRCh38, 1-based): chr19:5,047,570, A>G. VCF-style: chr19-5047570-A-G. GRCh37 (hg19) VCF-style: chr19-5047581-A-G.
Other names: c.527A>G, p.Tyr176Cys (NM_001370093.1, NM_001370094.1, NM_001411148.1); short protein forms Y176C.
Identifiers: ClinVar variation 3343311 (VCV003343311.1).

ClinVar aggregate classification (germline): Uncertain significance (1 of 4 stars; one submission).

Submission:

GeneDx
Classification: Uncertain significance. Last evaluated: 2023-05-06. Review status: criteria provided, single submitter. Criteria: GeneDx Variant Classification Process June 2021. Collection method: clinical testing. Allele origin: germline. Affected: yes.
Comment: Not observed at significant frequency in large population cohorts (gnomAD); In silico analysis supports that this missense variant has a deleterious effect on protein structure/function; Has not been previously published as pathogenic or benign to our knowledge